The following is an entry in ClinVar:

NM_032608.7(MYO18B):c.5999T>A (p.Leu2000Gln)

Gene: MYO18B (myosin XVIIIB; plus strand). Cytogenetic location: 22q12.1.
Variant type: single nucleotide variant.
Coding change: c.5999T>A on transcript NM_032608.7 (MANE Select); coding-DNA position 5999, T replaced by A.
Protein change: p.Leu2000Gln; replaces leucine 2000 with glutamine.
Molecular consequence: missense variant.
Genome position (GRCh38, 1-based): chr22:25,955,207, T>A. VCF-style: chr22-25955207-T-A. GRCh37 (hg19) VCF-style: chr22-26351173-T-A.
Other names: c.6002T>A, p.Leu2001Gln (NM_001318245.2); short protein forms L2000Q, L2001Q.
Identifiers: ClinVar variation 1972263 (VCV001972263.4), dbSNP rs1050674055, ClinGen allele CA322799247.

ClinVar aggregate classification (germline): Uncertain significance (1 of 4 stars; one submission).

Allele frequency attached by ClinVar (database versions not stated): gnomAD 0.00001; TOPMed 0.00007.
gnomAD v4.1: 3 of 1,612,344 alleles (0.00019%); highest among the groups gnomAD compares: African/African-American, 0.004%; no homozygotes.

Submission:

Labcorp Genetics (formerly Invitae), Labcorp
Classification: Uncertain significance. Last evaluated: 2022-04-24. Review status: criteria provided, single submitter. Criteria: Invitae Variant Classification Sherloc (09022015). Collection method: clinical testing. Allele origin: germline.
Comment: In summary, the available evidence is currently insufficient to determine the role of this variant in disease. Therefore, it has been classified as a Variant of Uncertain Significance. Algorithms developed to predict the effect of missense changes on protein structure and function are either unavailable or do not agree on the potential impact of this missense change (SIFT: "Not Available"; PolyPhen-2: "Possibly Damaging"; Align-GVGD: "Not Available"). This variant has not been reported in the literature in individuals affected with MYO18B-related conditions. This variant is not present in population databases (gnomAD no frequency). This sequence change replaces leucine, which is neutral and non-polar, with glutamine, which is neutral and polar, at codon 2000 of the MYO18B protein (p.Leu2000Gln).